The following is an entry in ClinVar:

NM_001112741.2(KCNC1):c.976C>T (p.Arg326Cys)

Gene: KCNC1 (potassium voltage-gated channel subfamily C member 1; plus strand). Cytogenetic location: 11p15.1.
Variant type: single nucleotide variant.
Coding change: c.976C>T on transcript NM_001112741.2 (MANE Select); coding-DNA position 976, C replaced by T.
Protein change: p.Arg326Cys; replaces arginine 326 with cysteine.
Molecular consequence: missense variant.
Genome position (GRCh38, 1-based): chr11:17,772,070, C>T. VCF-style: chr11-17772070-C-T. GRCh37 (hg19) VCF-style: chr11-17793617-C-T.
Other names: c.976C>T, p.Arg326Cys (NM_004976.4); short protein forms R326C.
Identifiers: ClinVar variation 3661794 (VCV003661794.2).
Genomic context (GRCh38, chr11:17,772,070, plus strand): 5'-GTGCTGGGCTTCCTGCGCGTCGTCCGCTTCGTGCGCATCTTGCGCATCTTTAAGCTGACC[C>T]GCCACTTTGTGGGCCTGCGGGTCCTGGGCCACACGCTCCGAGCCAGCACCAACGAGTTCC-3'
Protein context (NP_001106212.1, residues 316-336): VRILRIFKLT[Arg326Cys]HFVGLRVLGH

ClinVar aggregate classification (germline): Uncertain significance (1 of 4 stars; one submission).

Conditions:
Progressive myoclonic epilepsy type 7. Identifiers: Orphanet 435438, MedGen C4015420, MONDO:0014521, OMIM 616187.

Submission:

Labcorp Genetics (formerly Invitae), Labcorp
Classification: Uncertain significance for Progressive myoclonic epilepsy type 7. Last evaluated: 2024-11-05. Review status: criteria provided, single submitter. Criteria: Invitae Variant Classification Sherloc (09022015). Collection method: clinical testing. Allele origin: germline.
Comment: This sequence change replaces arginine, which is basic and polar, with cysteine, which is neutral and slightly polar, at codon 326 of the KCNC1 protein (p.Arg326Cys). This variant is not present in population databases (gnomAD no frequency). This variant has not been reported in the literature in individuals affected with KCNC1-related conditions. Invitae Evidence Modeling of protein sequence and biophysical properties (such as structural, functional, and spatial information, amino acid conservation, physicochemical variation, residue mobility, and thermodynamic stability) indicates that this missense variant is expected to disrupt KCNC1 protein function with a positive predictive value of 80%. In summary, the available evidence is currently insufficient to determine the role of this variant in disease. Therefore, it has been classified as a Variant of Uncertain Significance.